The following is an entry in ClinVar:

ClinVar aggregate classification (germline): Uncertain significance (1 of 4 stars; one submission).

Submission:

Labcorp Genetics (formerly Invitae), Labcorp
Classification: Uncertain significance. Last evaluated: 2022-04-26. Review status: criteria provided, single submitter. Criteria: Invitae Variant Classification Sherloc (09022015). Collection method: clinical testing. Allele origin: germline.
Comment: This variant is a gross deletion of the genomic region encompassing exon(s) 2-3 of the PDE6B gene. This variant would be expected to be in-frame, preserving the integrity of the reading frame. This variant has not been reported in the literature in individuals affected with PDE6B-related conditions. This variant disrupts a region of the PDE6B protein in which other variant(s) (p.Val208Met) have been observed in individuals with PDE6B-related conditions (PMID: 31960602). This suggests that this is a clinically significant region of the protein, and that variants that disrupt it are likely to be disease-causing. In summary, the available evidence is currently insufficient to determine the role of this variant in disease. Therefore, it has been classified as a Variant of Uncertain Significance.

Literature cited by the submitters: PubMed 31960602.

NC_000004.11:g.(?_628446)_(629778_?)del

Gene: PDE6B (phosphodiesterase 6B; plus strand). Cytogenetic location: 4p16.3.
Variant type: Deletion.
Identifiers: ClinVar variation 1495987 (VCV001495987.5).